The following is an entry in ClinVar:

NM_001164508.2(NEB):c.11164C>G (p.Arg3722Gly)

Gene: NEB (nebulin; minus strand). Cytogenetic location: 2q23.3.
Variant type: single nucleotide variant.
Coding change: c.11164C>G on transcript NM_001164508.2 (MANE Select); coding-DNA position 11164, C replaced by G.
Protein change: p.Arg3722Gly; replaces arginine 3722 with glycine.
Molecular consequence: missense variant.
Genome position (GRCh38, 1-based): chr2:151,617,381, G>C on the plus strand (C>G on the coding strand, the complement: NEB is on the minus strand). VCF-style: chr2-151617381-G-C. GRCh37 (hg19) VCF-style: chr2-152473895-G-C.
Other names: c.11164C>G, p.Arg3722Gly (NM_001164507.2, NM_001271208.2); c.10435C>G, p.Arg3479Gly (NM_004543.5); short protein forms R3722G, R3479G.
Identifiers: ClinVar variation 2107662 (VCV002107662.1), dbSNP rs928945364, ClinGen allele CA348784854.

ClinVar aggregate classification (germline): Uncertain significance (1 of 4 stars; one submission).

Conditions:
Nemaline myopathy 2 (NEM2). Also called: Nemaline myopathy 2, autosomal recessive. Identifiers: MedGen C1850569, MONDO:0009725, OMIM 256030.

Submission:

Labcorp Genetics (formerly Invitae), Labcorp
Classification: Uncertain significance for Nemaline myopathy 2. Last evaluated: 2022-03-08. Review status: criteria provided, single submitter. Criteria: Invitae Variant Classification Sherloc (09022015). Collection method: clinical testing. Allele origin: germline.
Comment: This sequence change replaces arginine, which is basic and polar, with glycine, which is neutral and non-polar, at codon 3722 of the NEB protein (p.Arg3722Gly). This variant is not present in population databases (gnomAD no frequency). This variant has not been reported in the literature in individuals affected with NEB-related conditions. Algorithms developed to predict the effect of missense changes on protein structure and function are either unavailable or do not agree on the potential impact of this missense change (SIFT: "Deleterious"; PolyPhen-2: "Not Available"; Align-GVGD: "Class C0"). In summary, the available evidence is currently insufficient to determine the role of this variant in disease. Therefore, it has been classified as a Variant of Uncertain Significance.